The following is an entry in ClinVar:

NM_020117.11(LARS1):c.185G>A (p.Gly62Glu)

Gene: LARS1 (leucyl-tRNA synthetase 1; minus strand). Cytogenetic location: 5q32.
Variant type: single nucleotide variant.
Coding change: c.185G>A on transcript NM_020117.11 (MANE Select); coding-DNA position 185, G replaced by A.
Protein change: p.Gly62Glu; replaces glycine 62 with glutamic acid.
Molecular consequence: missense variant.
Genome position (GRCh38, 1-based): chr5:146,172,715, C>T on the plus strand (G>A on the coding strand, the complement: LARS1 is on the minus strand). VCF-style: chr5-146172715-C-T. GRCh37 (hg19) VCF-style: chr5-145552278-C-T.
Other names: c.185G>A, p.Gly62Glu (NM_001317964.2, NM_016460.4); c.23G>A, p.Gly8Glu (NM_001317965.2); short protein forms G62E, G8E.
Identifiers: ClinVar variation 1029737 (VCV001029737.1), dbSNP rs745880730, ClinGen allele CA3490013.

ClinVar aggregate classification (germline): Uncertain significance (1 of 4 stars; one submission).

Conditions:
Infantile liver failure syndrome 1 (ILFS1). Identifiers: Orphanet 370088, MedGen C3809522, MONDO:0024568, OMIM 615438.

Allele frequency attached by ClinVar (database versions not stated): gnomAD exomes below 0.00001; ExAC 0.00001.

Submission:

Baylor Genetics
Classification: Uncertain significance for Infantile liver failure syndrome 1. Last evaluated: 2019-11-15. Review status: criteria provided, single submitter. Criteria: ACMG Guidelines, 2015. Collection method: clinical testing. Allele origin: unknown. Affected: yes.
Comment: This variant was determined to be of uncertain significance according to ACMG Guidelines, 2015 [PMID:25741868].